The following is an entry in ClinVar:

NM_001371986.1(UNC80):c.3073C>T (p.Arg1025Trp)

Gene: UNC80 (unc-80 homolog, NALCN channel complex subunit; plus strand). Cytogenetic location: 2q34.
Variant type: single nucleotide variant.
Coding change: c.3073C>T on transcript NM_001371986.1 (MANE Select); coding-DNA position 3073, C replaced by T.
Protein change: p.Arg1025Trp; replaces arginine 1025 with tryptophan.
Molecular consequence: missense variant.
Genome position (GRCh38, 1-based): chr2:209,839,253, C>T. VCF-style: chr2-209839253-C-T. GRCh37 (hg19) VCF-style: chr2-210703977-C-T.
Other names: c.3073C>T, p.Arg1025Trp (NM_032504.2); c.3058C>T, p.Arg1020Trp (NM_182587.4); c.3073C>T (NM_032504.1); short protein forms R1020W, R1025W.
Identifiers: ClinVar variation 2419570 (VCV002419570.5), dbSNP rs775377500, ClinGen allele CA2083081.
Genomic context (GRCh38, chr2:209,839,253, plus strand): 5'-GTTTAACCCTATCCTCTGCTTGCCTACAGCGATGAACAAATGCAAGGAGCCAACTTGGGG[C>T]GGAAAGATTTCTGGCGTAAGATGTTCAAGTCCCAGAGTGCAGCAAGTGACACCAGCAGCC-3'
Protein context (NP_001358915.1, residues 1015-1035): DEQMQGANLG[Arg1025Trp]KDFWRKMFKS

ClinVar aggregate classification (germline): Uncertain significance. Review status: criteria provided, multiple submitters, no conflicts (2 of 4 stars). 2 submissions from 2 submitters: Uncertain significance (2). Last evaluated 2023-02-07.

Allele frequency attached by ClinVar (database versions not stated): gnomAD exomes 0.00001; ExAC 0.00009.
gnomAD v4.1: 17 of 1,551,370 alleles (0.0011%); highest among the groups gnomAD compares: African/African-American, 0.0041%; no homozygotes.

Submissions (2):

GeneDx
Classification: Uncertain significance. Last evaluated: 2023-02-07. Review status: criteria provided, single submitter. Criteria: GeneDx Variant Classification Process June 2021. Collection method: clinical testing. Allele origin: germline. Affected: yes.
Comment: Has not been previously published as pathogenic or benign to our knowledge; In silico analysis supports that this missense variant has a deleterious effect on protein structure/function

Labcorp Genetics (formerly Invitae), Labcorp
Classification: Uncertain significance. Last evaluated: 2022-07-23. Review status: criteria provided, single submitter. Criteria: Invitae Variant Classification Sherloc (09022015). Collection method: clinical testing. Allele origin: germline.
Comment: This variant has not been reported in the literature in individuals affected with UNC80-related conditions. In summary, the available evidence is currently insufficient to determine the role of this variant in disease. Therefore, it has been classified as a Variant of Uncertain Significance. Algorithms developed to predict the effect of missense changes on protein structure and function are either unavailable or do not agree on the potential impact of this missense change (SIFT: "Not Available"; PolyPhen-2: "Probably Damaging"; Align-GVGD: "Not Available"). This variant is present in population databases (rs775377500, gnomAD 0.009%). This sequence change replaces arginine, which is basic and polar, with tryptophan, which is neutral and slightly polar, at codon 1025 of the UNC80 protein (p.Arg1025Trp).